The following is an entry in ClinVar:

ClinVar aggregate classification (germline): Likely benign. Review status: criteria provided, multiple submitters, no conflicts (2 of 4 stars). 8 submissions from 6 submitters: Likely benign (6). 2 of the submissions do not count toward it. Last evaluated 2025-06-22.

Conditions:
CRB1-related disorder. Also called: CRB1-related condition; CRB1-related disorders.
Retinitis pigmentosa 12 (RP12). Also called: RP WITH OR WITHOUT PRESERVED PARAARTERIOLE RETINAL PIGMENT EPITHELIUM; RETINITIS PIGMENTOSA WITH OR WITHOUT PARAARTERIOLAR PRESERVATION OF RETINAL PIGMENT EPITHELIUM; RP WITH OR WITHOUT PPRPE. Identifiers: Orphanet 791, MedGen C1838647, MONDO:0010818, OMIM 600105.
Leber congenital amaurosis 8 (LCA8). Identifiers: Orphanet 65, MedGen C3151202, MONDO:0013453, OMIM 613835.
Pigmented paravenous retinochoroidal atrophy. Identifiers: Orphanet 251295, MedGen C1868310, MONDO:0008246, OMIM 172870.
Leber congenital amaurosis (LCA). Also called: Leber's amaurosis. Identifiers: Orphanet 65, MedGen C0339527, MeSH D057130, MONDO:0018998.

Allele frequency attached by ClinVar (database versions not stated): TOPMed 0.00004; gnomAD 0.00007 and 0.00019; gnomAD exomes 0.00041 and 0.00076; ExAC 0.00083; 1000 Genomes Project 30x 0.00094; 1000 Genomes Project 0.00120.
gnomAD v4.1: 633 of 1,614,230 alleles (0.039%); highest among the groups gnomAD compares: South Asian, 0.59%; 15 homozygotes.

Submissions (8):

Labcorp Genetics (formerly Invitae), Labcorp
Classification: Likely benign for Leber congenital amaurosis 8; Retinitis pigmentosa 12. Last evaluated: 2025-06-22. Review status: criteria provided, single submitter. Criteria: Invitae Variant Classification Sherloc (09022015). Collection method: clinical testing. Allele origin: germline.

Blueprint Genetics
Classification: Likely benign. Last evaluated: 2024-08-12. Review status: criteria provided, single submitter. Criteria: ACMG Guidelines, 2015. Collection method: clinical testing. Allele origin: germline.

Genome-Nilou Lab
Classification: Likely benign for Leber congenital amaurosis 8. Last evaluated: 2023-04-11. Review status: criteria provided, single submitter. Criteria: ACMG Guidelines, 2015. Collection method: clinical testing. Allele origin: germline. Affected: no.

Genome-Nilou Lab
Classification: Likely benign for Pigmented paravenous retinochoroidal atrophy. Last evaluated: 2023-04-11. Review status: criteria provided, single submitter. Criteria: ACMG Guidelines, 2015. Collection method: clinical testing. Allele origin: germline. Affected: no.

Genome-Nilou Lab
Classification: Likely benign for Retinitis pigmentosa 12. Last evaluated: 2023-04-11. Review status: criteria provided, single submitter. Criteria: ACMG Guidelines, 2015. Collection method: clinical testing. Allele origin: germline. Affected: no.

CeGaT Center for Human Genetics Tuebingen
Classification: Likely benign. Last evaluated: 2023-01-01. Review status: criteria provided, single submitter. Criteria: CeGaT Center For Human Genetics Tuebingen Variant Classification Criteria Version 2. Collection method: clinical testing. Allele origin: germline. Affected: yes. Observed: 1 variant allele.
Comment: CRB1: BP4, BS2

PreventionGenetics, part of Exact Sciences
Classification: Likely benign for CRB1-related condition. Last evaluated: 2021-07-30. Review status: no assertion criteria provided. Collection method: clinical testing. Allele origin: germline. Not counted in ClinVar's aggregate classification.
Comment: This variant is classified as likely benign based on ACMG/AMP sequence variant interpretation guidelines (Richards et al. 2015 PMID: 25741868, with internal and published modifications).

Natera, Inc.
Classification: Benign for Leber congenital amaurosis. Last evaluated: 2019-10-22. Review status: no assertion criteria provided. Collection method: clinical testing. Allele origin: germline. Not counted in ClinVar's aggregate classification.

NM_201253.3(CRB1):c.1075T>G (p.Ser359Ala)

Gene: CRB1 (crumbs cell polarity complex component 1; plus strand). Cytogenetic location: 1q31.3.
Variant type: single nucleotide variant.
Coding change: c.1075T>G on transcript NM_201253.3 (MANE Select); coding-DNA position 1075, T replaced by G.
Protein change: p.Ser359Ala; replaces serine 359 with alanine.
Molecular consequence: missense variant. On other transcripts: non-coding transcript variant (2).
Genome position (GRCh38, 1-based): chr1:197,356,917, T>G. VCF-style: chr1-197356917-T-G. GRCh37 (hg19) VCF-style: chr1-197326047-T-G.
Other names: c.739T>G, p.Ser247Ala (NM_001193640.2); c.868T>G, p.Ser290Ala (NM_001257965.2); c.1075T>G, p.Ser359Ala (NM_001257966.2); short protein forms S359A, S247A, S290A.
Identifiers: ClinVar variation 766807 (VCV000766807.37), dbSNP rs533227950, ClinGen allele CA1311796.